The following is an entry in ClinVar:

NM_004006.3(DMD):c.3320G>T (p.Ser1107Ile)

Gene: DMD (dystrophin; minus strand). Cytogenetic location: Xp21.1.
Variant type: single nucleotide variant.
Coding change: c.3320G>T on transcript NM_004006.3 (MANE Select); coding-DNA position 3320, G replaced by T.
Protein change: p.Ser1107Ile; replaces serine 1107 with isoleucine.
Molecular consequence: missense variant.
Genome position (GRCh38, 1-based): chrX:32,463,551, C>A on the plus strand (G>T on the coding strand, the complement: DMD is on the minus strand). VCF-style: chrX-32463551-C-A. GRCh37 (hg19) VCF-style: chrX-32481668-C-A.
Other names: c.3296G>T, p.Ser1099Ile (NM_000109.4); c.3308G>T, p.Ser1103Ile (NM_004009.3); c.2951G>T, p.Ser984Ile (NM_004010.3); short protein forms S1099I, S984I, S1107I, S1103I.
Identifiers: ClinVar variation 2044053 (VCV002044053.4), dbSNP rs768653489, ClinGen allele CA10379306.

ClinVar aggregate classification (germline): Conflicting classifications of pathogenicity. Review status: criteria provided, conflicting classifications (1 of 4 stars). 3 submissions from 3 submitters: Uncertain significance (2); Likely benign (1). Last evaluated 2026-05-11.

Conditions:
Cardiovascular phenotype. Identifiers: MedGen CN230736.
Duchenne muscular dystrophy (DMD). Also called: MUSCULAR DYSTROPHY, PSEUDOHYPERTROPHIC PROGRESSIVE, DUCHENNE TYPE; Duchenne Muscular Dystrophy (DMD). Identifiers: Orphanet 98896, MedGen C0013264, MONDO:0010679, OMIM 310200.

Allele frequency attached by ClinVar (database versions not stated): gnomAD exomes 0.00001; TOPMed 0.00001.
gnomAD v4.1: 12 of 1,196,540 alleles (0.001%); highest among the groups gnomAD compares: Non-Finnish European, 0.0012%; no homozygotes.

Submissions (3):

Ambry Genetics
Classification: Likely benign for Cardiovascular phenotype. Last evaluated: 2026-05-11. Review status: criteria provided, single submitter. Criteria: Ambry Variant Classification Scheme 2023. Collection method: clinical testing. Allele origin: germline.

Women's Health and Genetics/Laboratory Corporation of America, LabCorp
Classification: Uncertain significance. Last evaluated: 2025-09-22. Review status: criteria provided, single submitter. Criteria: LabCorp Variant Classification Summary - May 2015. Collection method: clinical testing. Allele origin: germline.
Comment: Variant summary: DMD c.3320G>T (p.Ser1107Ile) results in a non-conservative amino acid change in the encoded protein sequence. Algorithms developed to predict the effect of missense changes on protein structure and function are either unavailable or do not agree on the potential impact of this missense change. The variant was absent in 158431 control chromosomes. The available data on variant occurrences in the general population are insufficient to allow any conclusion about variant significance. To our knowledge, no occurrence of c.3320G>T in individuals affected with DMD-related conditions and no experimental evidence demonstrating its impact on protein function have been reported. ClinVar contains an entry for this variant (Variation ID: 2044053). Based on the evidence outlined above, the variant was classified as uncertain significance.

Labcorp Genetics (formerly Invitae), Labcorp
Classification: Uncertain significance for Duchenne muscular dystrophy. Last evaluated: 2024-11-21. Review status: criteria provided, single submitter. Criteria: Invitae Variant Classification Sherloc (09022015). Collection method: clinical testing. Allele origin: germline.
Comment: This sequence change replaces serine, which is neutral and polar, with isoleucine, which is neutral and non-polar, at codon 1107 of the DMD protein (p.Ser1107Ile). This variant is not present in population databases (gnomAD no frequency). This variant has not been reported in the literature in individuals affected with DMD-related conditions. ClinVar contains an entry for this variant (Variation ID: 2044053). Invitae Evidence Modeling of protein sequence and biophysical properties (such as structural, functional, and spatial information, amino acid conservation, physicochemical variation, residue mobility, and thermodynamic stability) indicates that this missense variant is not expected to disrupt DMD protein function with a negative predictive value of 95%. In summary, the available evidence is currently insufficient to determine the role of this variant in disease. Therefore, it has been classified as a Variant of Uncertain Significance.